The following is an entry in ClinVar:

NM_004333.6(BRAF):c.1796C>G (p.Thr599Arg)

Gene: BRAF (B-Raf proto-oncogene, serine/threonine kinase; minus strand). Cytogenetic location: 7q34.
Variant type: single nucleotide variant.
Coding change: c.1796C>G on transcript NM_004333.6 (MANE Select); coding-DNA position 1796, C replaced by G.
Protein change: p.Thr599Arg; replaces threonine 599 with arginine.
Molecular consequence: missense variant.
Genome position (GRCh38, 1-based): chr7:140,753,339, G>C on the plus strand (C>G on the coding strand, the complement: BRAF is on the minus strand). VCF-style: chr7-140753339-G-C. GRCh37 (hg19) VCF-style: chr7-140453139-G-C.
Other names: c.1796C>G, p.Thr599Arg (NM_001354609.2, NM_001378468.1, NM_001378474.1); c.1916C>G, p.Thr639Arg (NM_001374244.1, NM_001374258.1); c.1805C>G, p.Thr602Arg (NM_001378467.1); c.1730C>G, p.Thr577Arg (NM_001378469.1); c.1694C>G, p.Thr565Arg (NM_001378470.1); c.1685C>G, p.Thr562Arg (NM_001378471.1); c.1640C>G, p.Thr547Arg (NM_001378472.1, NM_001378473.1); c.1532C>G, p.Thr511Arg (NM_001378475.1); short protein forms T599R, T511R, T547R, T562R, T565R, T577R, T602R, T639R.
Identifiers: ClinVar variation 280033 (VCV000280033.10), dbSNP rs121913375, ClinGen allele CA10603019.

ClinVar aggregate classification (germline): Pathogenic. Review status: reviewed by expert panel (3 of 4 stars). 5 submissions from 5 submitters: Pathogenic (1). 4 of the submissions do not count toward it. Last evaluated 2020-03-24.

Conditions:
Cardiofaciocutaneous syndrome 1 (CFC1). Also called: BRAF-Related Cardiofaciocutaneous Syndrome; MAP2K1-Related Cardiofaciocutaneous Syndrome; KRAS-Related Cardiofaciocutaneous Syndrome; MAP2K2-Related Cardiofaciocutaneous Syndrome. Identifiers: Orphanet 1340, MedGen CN029449, MONDO:0007265, OMIM 115150. Disease mechanism: gain of function.
RASopathy. Also called: Noonan spectrum disorder; rasopathies. Identifiers: Orphanet 536391, MedGen C5555857, MONDO:0021060.

Submissions (5):

ClinGen RASopathy Variant Curation Expert Panel
Classification: Pathogenic for RASopathy. Last evaluated: 2020-03-24. Review status: reviewed by expert panel. Criteria: ClinGen RASopathy ACMG Specifications v1. Collection method: curation. Allele origin: germline. Inheritance: Autosomal dominant inheritance.
Comment: The c.1796C>G (p.Thr599Arg) variant in BRAF was absent from large population studies (PM2). It was observed in 3 probands diagnosed with cardiofaciocutaneous syndrome (PS4_Moderate; PMIDs: 19206169, 28650561; Otto-von-Guericke-UniversitÃ¤t Magdeburg internal communication). In two of these patients, as well as one proband with phenotypic features suggestive of a RASopathy but no clinical diagnosis, the variant occurred de novo; parentage was confirmed in 2 of these cases (PS2_VS; PMIDs: 19206169, 28650561; GeneDx internal data, SCV000329761.7). The variant occurs in the CR3 activation domain of BRAF, which has been defined by the ClinGen RASopathy Expert Panel as a region important for protein function (PM1; PMID 29493581). In vitro functional studies provide some evidence that the p.Thr599Arg variant may impact protein function (PS3; PMID: 19206169). Additionally, the variant is located in BRAF, which has been defined by the ClinGen RASopathy Expert Panel as a gene with a low rate of benign missense variants and pathogenic missense variants are common (PP2; PMID: 29493581). In summary, this variant meets criteria to be classified as pathogenic for RASopathies in an autosomal dominant manner. Rasopathy-specific ACMG/AMP criteria applied (PMID:29493581): PS2_VeryStrong, PS3, PS4_Moderate, PM1, PM2, PP2.

GeneDx
Classification: Pathogenic. Last evaluated: 2025-04-22. Review status: criteria provided, single submitter. Criteria: GeneDx Variant Classification Process June 2021. Collection method: clinical testing. Allele origin: germline. Affected: yes. Not counted in ClinVar's aggregate classification.
Comment: Published functional studies demonstrate a damaging effect leading to increased foci formation and increased phosphorylation of the ERK and MEK proteins (PMID: 19206169, 27569062); Not observed at significant frequency in large population cohorts (gnomAD); Missense variants in this gene are a common cause of disease and they are underrepresented in the general population; In silico analysis supports that this missense variant has a deleterious effect on protein structure/function; This variant is associated with the following publications: (PMID: 19206169, 24803665, 34573299, 37697822, 23093928, 18413255, 28650561, 27569062, 34643321, 24957944, 15488754, 16439621, 15520807, 17603483, 29493581)

Revvity Omics, Revvity
Classification: Pathogenic. Last evaluated: 2022-08-30. Review status: criteria provided, single submitter. Criteria: ACMG Guidelines, 2015. Collection method: clinical testing. Allele origin: germline. Not counted in ClinVar's aggregate classification.

3billion
Classification: Pathogenic for Cardiofaciocutaneous syndrome 1. Last evaluated: 2021-10-02. Review status: criteria provided, single submitter. Criteria: ACMG Guidelines, 2015. Collection method: clinical testing. Allele origin: unknown. Affected: yes. Observed: 1 heterozygote. Not counted in ClinVar's aggregate classification.
Comment: Same nucleotide change resulting in same amino acid change has been previously reported as de novoo and observed in at least four similarly affected unrelated individuals (PMID: 19206169, 28650561, PS2, PS4_M). Functional studies provide strong evidence of the variant having a damaging effect on the gene or gene product (PMID: 19206169, PS3). The missense variant is located in a mutational hot spot and/or well-established functional domain in which established pathogenic variants have been reported (PM1). It is not observed in the gnomAD v2.1.1 dataset (PM2). A different missense change at the same codon (p.Thr599Ile) has been reported as pathogenic (VCV000040388.5, PM5). In silico tool predictions suggest damaging effect of the variant on gene or gene product (REVEL: 0.843, 3Cnet: 0.995, PP3). Therefore, this variant is classified as pathogenic according to the recommendation of ACMG/AMP guideline.

Institute for Genomic Statistics and Bioinformatics, University Hospital Bonn
Classification: Pathogenic for Cardiofaciocutaneous syndrome 1. Review status: criteria provided, single submitter. Criteria: ACMG Guidelines, 2015. Collection method: clinical testing. Allele origin: unknown. Affected: yes. Observed: 1 variant allele. Not counted in ClinVar's aggregate classification.

Literature cited by the submitters: PubMed 19206169 (cited by ClinGen RASopathy Variant Curation Expert Panel and 3billion); PubMed 28650561 (cited by ClinGen RASopathy Variant Curation Expert Panel and 3billion).